The following is an entry in ClinVar:

ClinVar aggregate classification (germline): Uncertain significance (1 of 4 stars; one submission).

gnomAD v4.1: 8 of 1,614,218 alleles (0.0005%); highest among the groups gnomAD compares: South Asian, 0.0066%; no homozygotes.

Submission:

GeneDx
Classification: Uncertain significance. Last evaluated: 2023-08-03. Review status: criteria provided, single submitter. Criteria: GeneDx Variant Classification Process June 2021. Collection method: clinical testing. Allele origin: germline. Affected: yes.
Comment: Not observed at significant frequency in large population cohorts (gnomAD); In silico analysis supports that this variant does not alter splicing; Has not been previously published as pathogenic or benign to our knowledge

NM_000501.4(ELN):c.800-3C>T

Gene: ELN (elastin; plus strand). Cytogenetic location: 7q11.23.
Variant type: single nucleotide variant.
Coding change: c.800-3C>T on transcript NM_000501.4 (MANE Select); 3 bases into the intron before coding-DNA position 800, C replaced by T.
Molecular consequence: intron variant.
Genome position (GRCh38, 1-based): chr7:74,051,747, C>T. VCF-style: chr7-74051747-C-T. GRCh37 (hg19) VCF-style: chr7-73466077-C-T.
Other names: c.815-3C>T (NM_001081754.3, NM_001081753.3); c.800-3C>T (NM_001278939.2, NM_001278915.2, NM_001278912.2 and 1 more transcripts); c.758-3C>T (NM_001278916.2); c.692-3C>T (NM_001278913.2); c.785-3C>T (NM_001278914.2); c.770-3C>T (NM_001278917.2, NM_001081752.3); c.668-3C>T (NM_001278918.2).
Identifiers: ClinVar variation 3361873 (VCV003361873.1).